The following is an entry in ClinVar:

NM_000143.4(FH):c.788A>C (p.Lys263Thr)

Gene: FH (fumarate hydratase; minus strand). Cytogenetic location: 1q43.
Variant type: single nucleotide variant.
Coding change: c.788A>C on transcript NM_000143.4 (MANE Select); coding-DNA position 788, A replaced by C.
Protein change: p.Lys263Thr; replaces lysine 263 with threonine.
Molecular consequence: missense variant.
Genome position (GRCh38, 1-based): chr1:241,506,119, T>G on the plus strand (A>C on the coding strand, the complement: FH is on the minus strand). VCF-style: chr1-241506119-T-G. GRCh37 (hg19) VCF-style: chr1-241669419-T-G.
Other names: short protein forms K263T.
Identifiers: ClinVar variation 827312 (VCV000827312.10), dbSNP rs765997824, ClinGen allele CA1478606.

ClinVar aggregate classification (germline): Uncertain significance. Review status: criteria provided, multiple submitters, no conflicts (2 of 4 stars). 3 submissions from 3 submitters: Uncertain significance (3). Last evaluated 2025-09-27.

Conditions:
Hereditary cancer-predisposing syndrome. Also called: Neoplastic Syndromes, Hereditary; Tumor predisposition; Hereditary neoplastic syndrome; Hereditary Cancer Syndrome. Identifiers: Orphanet 140162, MedGen C0027672, MeSH D009386, MONDO:0015356.

Allele frequency attached by ClinVar (database versions not stated): TOPMed below 0.00001; gnomAD exomes 0.00001; ExAC 0.00002.
gnomAD v4.1: 3 of 1,613,952 alleles (0.00019%); highest among the groups gnomAD compares: Admixed American, 0.005%; no homozygotes.

Submissions (3):

Labcorp Genetics (formerly Invitae), Labcorp
Classification: Uncertain significance. Last evaluated: 2025-09-27. Review status: criteria provided, single submitter. Criteria: Invitae Variant Classification Sherloc (09022015). Collection method: clinical testing. Allele origin: germline.
Comment: This sequence change replaces lysine, which is basic and polar, with threonine, which is neutral and polar, at codon 263 of the FH protein (p.Lys263Thr). This variant is present in population databases (rs765997824, gnomAD 0.009%). This variant has not been reported in the literature in individuals affected with FH-related conditions. ClinVar contains an entry for this variant (Variation ID: 827312). Invitae Evidence Modeling of protein sequence and biophysical properties (such as structural, functional, and spatial information, amino acid conservation, physicochemical variation, residue mobility, and thermodynamic stability) has been performed for this missense variant. However, the output from this modeling did not meet the statistical confidence thresholds required to predict the impact of this variant on FH protein function. In summary, the available evidence is currently insufficient to determine the role of this variant in disease. Therefore, it has been classified as a Variant of Uncertain Significance.

Ambry Genetics
Classification: Uncertain significance for Hereditary cancer-predisposing syndrome. Last evaluated: 2023-10-19. Review status: criteria provided, single submitter. Criteria: Ambry Variant Classification Scheme 2023. Collection method: clinical testing. Allele origin: germline.
Comment: The p.K263T variant (also known as c.788A>C), located in coding exon 6 of the FH gene, results from an A to C substitution at nucleotide position 788. The lysine at codon 263 is replaced by threonine, an amino acid with similar properties. This amino acid position is not well conserved in available vertebrate species. In addition, the in silico prediction for this alteration is inconclusive. Since supporting evidence is limited at this time, the clinical significance of this alteration remains unclear.

GeneDx
Classification: Uncertain significance. Last evaluated: 2019-10-03. Review status: criteria provided, single submitter. Criteria: GeneDx Variant Classification Process June 2021. Collection method: clinical testing. Allele origin: germline. Affected: yes.
Comment: Not observed at a significant frequency in large population cohorts (Lek et al., 2016); In silico analysis, which includes protein predictors and evolutionary conservation, supports that this variant does not alter protein structure/function; Has not been previously published as pathogenic or benign to our knowledge